The following is an entry in ClinVar:

NM_001197104.2(KMT2A):c.5614G>A (p.Asp1872Asn)

Gene: KMT2A (lysine methyltransferase 2A; plus strand). Cytogenetic location: 11q23.3.
Variant type: single nucleotide variant.
Coding change: c.5614G>A on transcript NM_001197104.2 (MANE Select); coding-DNA position 5614, G replaced by A.
Protein change: p.Asp1872Asn; replaces aspartic acid 1872 with asparagine.
Molecular consequence: missense variant.
Genome position (GRCh38, 1-based): chr11:118,496,317, G>A. VCF-style: chr11-118496317-G-A. GRCh37 (hg19) VCF-style: chr11-118367032-G-A.
Other names: c.5704G>A, p.Asp1902Asn (NM_001412597.1); c.5605G>A, p.Asp1869Asn (NM_005933.4); short protein forms D1869N, D1872N, D1902N.
Identifiers: ClinVar variation 4888140 (VCV004888140.1).

ClinVar aggregate classification (germline): Likely pathogenic (1 of 4 stars; one submission).

Submission:

GeneDx
Classification: Likely pathogenic. Last evaluated: 2026-02-07. Review status: criteria provided, single submitter. Criteria: GeneDx Variant Classification Process June 2021. Collection method: clinical testing. Allele origin: germline.
Comment: Not observed at significant frequency in large population cohorts (gnomAD); In silico analysis supports that this missense variant has a deleterious effect on protein structure/function; Has not been previously published as pathogenic or benign to our knowledge